The following is an entry in ClinVar:

ClinVar aggregate classification (germline): Uncertain significance (1 of 4 stars; one submission).

Allele frequency attached by ClinVar (database versions not stated): gnomAD exomes below 0.00001.
gnomAD v4.1: 1 of 1,612,736 alleles (0.000062%); highest among the groups gnomAD compares: Non-Finnish European, 0.000085%; no homozygotes.

Submission:

Ambry Genetics
Classification: Uncertain significance. Last evaluated: 2022-07-07. Review status: criteria provided, single submitter. Criteria: Ambry Variant Classification Scheme 2023. Collection method: clinical testing. Allele origin: germline.
Comment: The p.P565L variant (also known as c.1694C>T), located in coding exon 16 of the RAD54L gene, results from a C to T substitution at nucleotide position 1694. The proline at codon 565 is replaced by leucine, an amino acid with similar properties. This amino acid position is conserved. In addition, this alteration is predicted to be tolerated by in silico analysis. Since supporting evidence is limited at this time, the clinical significance of this alteration remains unclear.

NM_003579.4(RAD54L):c.1694C>T (p.Pro565Leu)

Gene: RAD54L (RAD54 like; plus strand). Cytogenetic location: 1p34.1.
Variant type: single nucleotide variant.
Coding change: c.1694C>T on transcript NM_003579.4 (MANE Select); coding-DNA position 1694, C replaced by T.
Protein change: p.Pro565Leu; replaces proline 565 with leucine.
Molecular consequence: missense variant.
Genome position (GRCh38, 1-based): chr1:46,274,542, C>T. VCF-style: chr1-46274542-C-T. GRCh37 (hg19) VCF-style: chr1-46740214-C-T.
Other names: c.1694C>T, p.Pro565Leu (NM_001142548.2); c.1154C>T, p.Pro385Leu (NM_001370766.1); short protein forms P385L, P565L.
Identifiers: ClinVar variation 1778200 (VCV001778200.2), dbSNP rs2525718024, ClinGen allele CA340183994.
Genomic context (GRCh38, chr1:46,274,542, plus strand): 5'-AGGATCCCAGTTTAGGCTATAAGAGGTTCCTTTTCTCCTGTTTCTTCTCTTTCCAGAGCC[C>T]TGACTTTGTCTTCATGCTGAGCAGCAAAGCTGGGGGCTGTGGCCTCAATCTCATTGGGGC-3'
Protein context (NP_003570.2, residues 555-575): VVERFNSPSS[Pro565Leu]DFVFMLSSKA